The following is an entry in ClinVar:

NM_001130004.2(ACTN1):c.221-4del

Gene: ACTN1 (actinin alpha 1; minus strand). Cytogenetic location: 14q24.1.
Variant type: Deletion.
Coding change: c.221-4del on transcript NM_001130004.2 (MANE Select); 4 bases into the intron before coding-DNA position 221, one base deleted (A; older notation c.221-4delA).
Molecular consequence: intron variant.
Genome position (GRCh38, 1-based): chr14:68,921,129, T deleted on the plus strand (A on the coding strand, the reverse complement: ACTN1 is on the minus strand); the first of 3 consecutive T bases (chr14:68,921,129-68,921,131); deleting any one gives the same sequence. VCF-style (leftmost placement, unchanged base first): chr14-68921128-GT-G. GRCh37 (hg19) VCF-style: chr14-69387845-GT-G.
Other names: c.221-4del (NM_001424029.1, NM_001424027.1, NM_001424025.1 and 9 more transcripts); c.-690-4del (NM_001424030.1); c.347-4del (NM_001424013.1); c.158-4del (NM_001424022.1, NM_001424020.1, NM_001424018.1); c.26-4del (NM_001424026.1, NM_001424028.1, NM_001411036.1); c.152-4del (NM_001424021.1); c.218-4del (NM_001424017.1); c.308-4del (NM_001424015.1).
Identifiers: ClinVar variation 3045541 (VCV003045541.5), dbSNP rs1168926490, ClinGen allele CA614791491.
Genomic context (GRCh38, chr14:68,921,128, plus strand): 5'-ACGTTGGAGATCTTGTGCACTCTCATCTTGCCTCGCTCTGGCTTGGCCAAGCGTTCACCT[GT>G]TTGGATCAAGAGGGAGGAAGAGGAAGGTGAGACGCTATGAGCCAGGGGCCAGAGCTACTA-3'

ClinVar aggregate classification (germline): Conflicting classifications of pathogenicity. Review status: criteria provided, conflicting classifications (1 of 4 stars). 3 submissions from 3 submitters: Uncertain significance (1); Likely benign (1). 1 of the submissions does not count toward it. Last evaluated 2024-08-30.

Conditions:
ACTN1-related disorder. Also called: ACTN1-related condition.

Submissions (3):

Labcorp Genetics (formerly Invitae), Labcorp
Classification: Likely benign. Last evaluated: 2024-08-30. Review status: criteria provided, single submitter. Criteria: Invitae Variant Classification Sherloc (09022015). Collection method: clinical testing. Allele origin: germline.

Blueprint Genetics
Classification: Uncertain significance. Last evaluated: 2023-11-17. Review status: criteria provided, single submitter. Criteria: ACMG Guidelines, 2015. Collection method: clinical testing. Allele origin: germline.

PreventionGenetics, part of Exact Sciences
Classification: Likely benign for ACTN1-related condition. Last evaluated: 2020-07-02. Review status: no assertion criteria provided. Collection method: clinical testing. Allele origin: germline. Not counted in ClinVar's aggregate classification.
Comment: This variant is classified as likely benign based on ACMG/AMP sequence variant interpretation guidelines (Richards et al. 2015 PMID: 25741868, with internal and published modifications).